The following is an entry in ClinVar:

NM_000153.4(GALC):c.1859G>C (p.Gly620Ala)

Gene: GALC (galactosylceramidase; minus strand). Cytogenetic location: 14q31.3.
Variant type: single nucleotide variant.
Coding change: c.1859G>C on transcript NM_000153.4 (MANE Select); coding-DNA position 1859, G replaced by C.
Protein change: p.Gly620Ala; replaces glycine 620 with alanine.
Molecular consequence: missense variant. On other transcripts: non-coding transcript variant (1).
Genome position (GRCh38, 1-based): chr14:87,939,957, C>G on the plus strand (G>C on the coding strand, the complement: GALC is on the minus strand). VCF-style: chr14-87939957-C-G. GRCh37 (hg19) VCF-style: chr14-88406301-C-G.
Other names: c.1790G>C, p.Gly597Ala (NM_001201401.2); c.1781G>C, p.Gly594Ala (NM_001201402.2); c.1691G>C, p.Gly564Ala (NM_001424071.1, NM_001424072.1, NM_001424073.1); c.1511G>C, p.Gly504Ala (NM_001424074.1, NM_001424075.1); c.1226G>C, p.Gly409Ala (NM_001424076.1, NM_001424077.1); short protein forms G564A, G594A, G597A, G620A, G409A, G504A.
Identifiers: ClinVar variation 2976127 (VCV002976127.7), dbSNP rs1210612295, ClinGen allele CA390745508.
Genomic context (GRCh38, chr14:87,939,957, plus strand): 5'-ATACTTACCTTAATAGTTAACGTGAGTGTATACCATTTTTTTGCTGTAACTTCAACACGT[C>G]CTAAAGCATATATAATCCATCCAGCTGTAACACAAAAATATTATCCCAATAGATATAATT-3'
Protein context (NP_000144.2, residues 610-630): DLAGWIIYAL[Gly620Ala]RVEVTAKKWY

ClinVar aggregate classification (germline): Conflicting classifications of pathogenicity. Review status: criteria provided, conflicting classifications (1 of 4 stars). 3 submissions from 3 submitters: Likely pathogenic (1); Uncertain significance (2). Last evaluated 2026-01-13.

Conditions:
Galactosylceramide beta-galactosidase deficiency. Also called: Leukodystrophy, Globoid Cell; Krabbe Disease; GALACTOCEREBROSIDASE DEFICIENCY; GALC DEFICIENCY; GLOBOID CELL LEUKOENCEPHALOPATHY. Identifiers: Orphanet 487, MedGen C0023521, MONDO:0009499, OMIM 245200.

Allele frequency attached by ClinVar (database versions not stated): gnomAD 0.00001; TOPMed 0.00001.
gnomAD v4.1: 16 of 1,610,428 alleles (0.00099%); highest among the groups gnomAD compares: Non-Finnish European, 0.0013%; no homozygotes.

Submissions (3):

Myriad Genetics, Inc.
Classification: Uncertain significance for Galactosylceramide beta-galactosidase deficiency. Last evaluated: 2026-01-13. Review status: criteria provided, single submitter. Criteria: Myriad Autosomal Dominant, Autosomal Recessive and X-Linked Classification Criteria (2023). Collection method: clinical testing. Allele origin: unknown.
Comment: NM_000153.3(GALC):c.1859G>C(G620A) is a missense variant classified as a variant of uncertain significance in the context of Krabbe disease. G620A has not been observed in cases with relevant disease. Relevant functional assessments of this variant are not available in the literature. G620A has been observed in referenced population frequency databases. In summary, there is insufficient evidence to classify NM_000153.3(GALC):c.1859G>C(G620A) as pathogenic or benign. Please note: this variant was assessed in the context of healthy population screening.

Women's Health and Genetics/Laboratory Corporation of America, LabCorp
Classification: Uncertain significance. Last evaluated: 2025-07-03. Review status: criteria provided, single submitter. Criteria: LabCorp Variant Classification Summary - May 2015. Collection method: clinical testing. Allele origin: germline.
Comment: Variant summary: GALC c.1859G>C (p.Gly620Ala) results in a non-conservative amino acid change located in the Glycosyl hydrolase family 59, C-terminal lectin domain (IPR049162) of the encoded protein sequence. Algorithms developed to predict the effect of missense changes on protein structure and function all suggest that this variant is likely to be disruptive. The variant allele was found at a frequency of 4e-06 in 248764 control chromosomes. The available data on variant occurrences in the general population are insufficient to allow any conclusion about variant significance. These data do not allow any conclusion about variant significance. To our knowledge, no experimental evidence demonstrating an impact on protein function has been reported. ClinVar contains an entry for this variant (Variation ID: 2976127). Based on the evidence outlined above, the variant was classified as uncertain significance.

Labcorp Genetics (formerly Invitae), Labcorp
Classification: Likely pathogenic for Galactosylceramide beta-galactosidase deficiency. Last evaluated: 2023-03-07. Review status: criteria provided, single submitter. Criteria: Invitae Variant Classification Sherloc (09022015). Collection method: clinical testing. Allele origin: germline.
Comment: This sequence change replaces glycine, which is neutral and non-polar, with alanine, which is neutral and non-polar, at codon 620 of the GALC protein (p.Gly620Ala). This variant is present in population databases (no rsID available, gnomAD 0.0009%). This variant has not been reported in the literature in individuals affected with GALC-related conditions. Advanced modeling of protein sequence and biophysical properties (such as structural, functional, and spatial information, amino acid conservation, physicochemical variation, residue mobility, and thermodynamic stability) performed at Invitae indicates that this missense variant is expected to disrupt GALC protein function. This variant disrupts the p.Gly620 amino acid residue in GALC. Other variant(s) that disrupt this residue have been determined to be pathogenic (PMID: 31240153). This suggests that this residue is clinically significant, and that variants that disrupt this residue are likely to be disease-causing. In summary, the currently available evidence indicates that the variant is pathogenic, but additional data are needed to prove that conclusively. Therefore, this variant has been classified as Likely Pathogenic.

Literature cited by the submitters: PubMed 31240153 (cited by Labcorp Genetics (formerly Invitae), Labcorp).